The following is an entry in ClinVar:

NM_007118.4(TRIO):c.3149A>T (p.Asn1050Ile)

Gene: TRIO (trio Rho guanine nucleotide exchange factor; plus strand). Cytogenetic location: 5p15.2.
Variant type: single nucleotide variant.
Coding change: c.3149A>T on transcript NM_007118.4 (MANE Select); coding-DNA position 3149, A replaced by T.
Protein change: p.Asn1050Ile; replaces asparagine 1050 with isoleucine.
Molecular consequence: missense variant. On other transcripts: non-coding transcript variant (1).
Genome position (GRCh38, 1-based): chr5:14,369,456, A>T. VCF-style: chr5-14369456-A-T. GRCh37 (hg19) VCF-style: chr5-14369565-A-T.
Other names: c.3149A>T (NM_007118.3); short protein forms N1050I.
Identifiers: ClinVar variation 1203997 (VCV001203997.19), dbSNP rs200954380, ClinGen allele CA3206101.
Genomic context (GRCh38, chr5:14,369,456, plus strand): 5'-TGGAACAGGAGTACAAGAGAGAAGAAGACTGGTGTGGCGGGGCGGATAAGCTGGGCCCAA[A>T]CTCTGAGACGGACCACGTGACGCCCATGATCAGCAAGCACCTGGAGCAGAAGGAGGCATT-3'
Protein context (NP_009049.2, residues 1040-1060): WCGGADKLGP[Asn1050Ile]SETDHVTPMI

ClinVar aggregate classification (germline): Likely benign. Review status: criteria provided, multiple submitters, no conflicts (2 of 4 stars). 4 submissions from 4 submitters: Likely benign (4). Last evaluated 2026-03-01.

Conditions:
Inborn genetic diseases. Identifiers: MedGen C0950123, MeSH D030342.
TRIO-related disorder. Also called: TRIO-related condition; TRIO-related disorders.

Allele frequency attached by ClinVar (database versions not stated): 1000 Genomes Project 30x 0.00016; ExAC 0.00019; 1000 Genomes Project 0.00020; gnomAD 0.00033; gnomAD exomes 0.00049.
gnomAD v4.1: 756 of 1,614,090 alleles (0.047%); highest among the groups gnomAD compares: Non-Finnish European, 0.061%; 1 homozygote.

Submissions (4):

CeGaT Center for Human Genetics Tuebingen
Classification: Likely benign. Last evaluated: 2026-03-01. Review status: criteria provided, single submitter. Criteria: CeGaT Center For Human Genetics Tuebingen Variant Classification Criteria Version 2. Collection method: clinical testing. Allele origin: germline. Affected: yes. Observed: 3 variant alleles.
Comment: TRIO: BS2

PreventionGenetics, part of Exact Sciences
Classification: Likely benign for TRIO-related condition. Last evaluated: 2025-10-14. Review status: criteria provided, single submitter. Criteria: ACMG Guidelines, 2015. Collection method: clinical testing. Allele origin: germline.
Comment: This variant is classified as likely benign based on ACMG/AMP sequence variant interpretation guidelines (Richards et al. 2015 PMID: 25741868, with internal and published modifications).

Ambry Genetics
Classification: Likely benign for Inborn genetic diseases. Last evaluated: 2024-06-24. Review status: criteria provided, single submitter. Criteria: Ambry Variant Classification Scheme 2023. Collection method: clinical testing. Allele origin: germline.

GeneDx
Classification: Likely benign. Last evaluated: 2019-09-06. Review status: criteria provided, single submitter. Criteria: GeneDx Variant Classification Process June 2021. Collection method: clinical testing. Allele origin: germline. Affected: yes.